The following is an entry in ClinVar:

NM_006514.4(SCN10A):c.1138G>C (p.Val380Leu)

Gene: SCN10A (sodium voltage-gated channel alpha subunit 10; minus strand). Cytogenetic location: 3p22.2.
Variant type: single nucleotide variant.
Coding change: c.1138G>C on transcript NM_006514.4 (MANE Select); coding-DNA position 1138, G replaced by C.
Protein change: p.Val380Leu; replaces valine 380 with leucine.
Molecular consequence: missense variant.
Genome position (GRCh38, 1-based): chr3:38,756,826, C>G on the plus strand (G>C on the coding strand, the complement: SCN10A is on the minus strand). VCF-style: chr3-38756826-C-G. GRCh37 (hg19) VCF-style: chr3-38798317-C-G.
Other names: c.1138G>C, p.Val380Leu (NM_001293306.2, NM_001293307.2); short protein forms V380L.
Identifiers: ClinVar variation 463230 (VCV000463230.5), dbSNP rs142276689, ClinGen allele CA2320950.
Genomic context (GRCh38, chr3:38,756,826, plus strand): 5'-ACGCCATGGTGACTACAGCCAAGATCAAGTTGACCAGGTAGAAAGATCCCAGGAAGATTA[C>G]GAGCACAAAAAAGATCATATAGATTTTCCCAGAAGTCCTCAGGGTCTGCAGGTTCAAGGG-3'
Protein context (NP_006505.4, residues 370-390): GKIYMIFFVL[Val380Leu]IFLGSFYLVN

ClinVar aggregate classification (germline): Uncertain significance (1 of 4 stars; one submission).

Conditions:
Brugada syndrome. Also called: Sudden Unexplained Death Syndrome; Sudden Unexplained Nocturnal Death Syndrome (SUNDS); Sudden unexpected nocturnal death syndrome; Sudden unexplained nocturnal death syndrome. Identifiers: Orphanet 130, MedGen C1142166, MONDO:0015263.

gnomAD v4.1: 19 of 1,614,120 alleles (0.0012%); highest among the groups gnomAD compares: Admixed American, 0.013%; no homozygotes.

Submission:

Labcorp Genetics (formerly Invitae), Labcorp
Classification: Uncertain significance for Brugada syndrome. Last evaluated: 2017-05-08. Review status: criteria provided, single submitter. Criteria: Invitae Variant Classification Sherloc (09022015). Collection method: clinical testing. Allele origin: germline.
Comment: In summary, this variant is a rare missense change with uncertain impact on protein function. There is no indication that it causes disease, but the available evidence is currently insufficient to prove that conclusively. Therefore, it has been classified as a Variant of Uncertain Significance. Algorithms developed to predict the effect of missense changes on protein structure and function do not agree on the potential impact of this missense change (SIFT: "Deleterious"; PolyPhen-2: "Probably Damaging"; Align-GVGD: "Class C0"). This variant is present in population databases (rs142276689, ExAC 0.02%) but has not been reported in the literature in individuals with an SCN10A-related disease. This sequence change replaces valine with leucine at codon 380 of the SCN10A protein (p.Val380Leu). The valine residue is highly conserved and there is a small physicochemical difference between valine and leucine.